The following is an entry in ClinVar:

NM_001031679.3(MSRB3):c.485C>T (p.Ala162Val)

Gene: MSRB3 (methionine sulfoxide reductase B3; plus strand). Cytogenetic location: 12q14.3.
Variant type: single nucleotide variant.
Coding change: c.485C>T on transcript NM_001031679.3 (MANE Select); coding-DNA position 485, C replaced by T.
Protein change: p.Ala162Val; replaces alanine 162 with valine.
Molecular consequence: missense variant.
Genome position (GRCh38, 1-based): chr12:65,463,249, C>T. VCF-style: chr12-65463249-C-T. GRCh37 (hg19) VCF-style: chr12-65857029-C-T.
Other names: c.485C>T, p.Ala162Val (NM_001193460.2, NM_001193461.2); c.506C>T, p.Ala169Val (NM_198080.4); short protein forms A162V, A169V.
Identifiers: ClinVar variation 3767573 (VCV003767573.2).

ClinVar aggregate classification (germline): Uncertain significance. Review status: criteria provided, multiple submitters, no conflicts (2 of 4 stars). 2 submissions from 2 submitters: Uncertain significance (2). Last evaluated 2025-08-25.

Conditions:
Inborn genetic diseases. Identifiers: MedGen C0950123, MeSH D030342.

gnomAD v4.1: 359 of 1,614,052 alleles (0.022%); highest among the groups gnomAD compares: Non-Finnish European, 0.029%; no homozygotes.

Submissions (2):

Ambry Genetics
Classification: Uncertain significance for Inborn genetic diseases. Last evaluated: 2025-08-25. Review status: criteria provided, single submitter. Criteria: Ambry Variant Classification Scheme 2023. Collection method: clinical testing. Allele origin: germline.

GeneDx
Classification: Uncertain significance. Last evaluated: 2024-09-06. Review status: criteria provided, single submitter. Criteria: GeneDx Variant Classification Process June 2021. Collection method: clinical testing. Allele origin: germline. Affected: yes.
Comment: Not observed at significant frequency in large population cohorts (gnomAD); In silico analysis indicates that this missense variant does not alter protein structure/function; Has not been previously published as pathogenic or benign to our knowledge